The following is an entry in ClinVar:

NM_000245.4(MET):c.992G>T (p.Arg331Ile)

Gene: MET (MET proto-oncogene, receptor tyrosine kinase; plus strand). Cytogenetic location: 7q31.2.
Variant type: single nucleotide variant.
Coding change: c.992G>T on transcript NM_000245.4 (MANE Select); coding-DNA position 992, G replaced by T.
Protein change: p.Arg331Ile; replaces arginine 331 with isoleucine.
Molecular consequence: missense variant. On other transcripts: intron variant (1).
Genome position (GRCh38, 1-based): chr7:116,700,076, G>T. VCF-style: chr7-116700076-G-T. GRCh37 (hg19) VCF-style: chr7-116340130-G-T.
Other names: c.992G>T, p.Arg331Ile (NM_001127500.3, NM_001324401.3); c.-91+27499G>T (NM_001324402.2); short protein forms R331I.
Identifiers: ClinVar variation 1768643 (VCV001768643.7), dbSNP rs2116602789, ClinGen allele CA368970305.

ClinVar aggregate classification (germline): Conflicting classifications of pathogenicity. Review status: criteria provided, conflicting classifications (1 of 4 stars). 2 submissions from 2 submitters: Uncertain significance (1); Likely benign (1). Last evaluated 2026-06-17.

Conditions:
Renal cell carcinoma. Identifiers: Orphanet 217071, MedGen C0007134, MeSH D002292, MONDO:0005086, HP:0005584.
Hereditary cancer-predisposing syndrome. Also called: Hereditary Cancer Syndrome; Hereditary neoplastic syndrome; Neoplastic Syndromes, Hereditary; Tumor predisposition. Identifiers: Orphanet 140162, MedGen C0027672, MeSH D009386, MONDO:0015356.

Submissions (2):

Ambry Genetics
Classification: Likely benign for Hereditary cancer-predisposing syndrome. Last evaluated: 2026-06-17. Review status: criteria provided, single submitter. Criteria: Ambry Variant Classification Scheme 2023. Collection method: clinical testing. Allele origin: germline.

Labcorp Genetics (formerly Invitae), Labcorp
Classification: Uncertain significance for Renal cell carcinoma. Last evaluated: 2023-03-04. Review status: criteria provided, single submitter. Criteria: Invitae Variant Classification Sherloc (09022015). Collection method: clinical testing. Allele origin: germline.
Comment: In summary, the available evidence is currently insufficient to determine the role of this variant in disease. Therefore, it has been classified as a Variant of Uncertain Significance. Advanced modeling of protein sequence and biophysical properties (such as structural, functional, and spatial information, amino acid conservation, physicochemical variation, residue mobility, and thermodynamic stability) performed at Invitae indicates that this missense variant is not expected to disrupt MET protein function. ClinVar contains an entry for this variant (Variation ID: 1768643). This sequence change replaces arginine, which is basic and polar, with isoleucine, which is neutral and non-polar, at codon 331 of the MET protein (p.Arg331Ile). This variant is not present in population databases (gnomAD no frequency). This variant has not been reported in the literature in individuals affected with MET-related conditions.